The following is an entry in ClinVar:

NM_024665.7(TBL1XR1):c.1291C>G (p.Arg431Gly)

Gene: TBL1XR1 (TBL1X/Y related 1; minus strand). Cytogenetic location: 3q26.32.
Variant type: single nucleotide variant.
Coding change: c.1291C>G on transcript NM_024665.7 (MANE Select); coding-DNA position 1291, C replaced by G.
Protein change: p.Arg431Gly; replaces arginine 431 with glycine.
Molecular consequence: missense variant.
Genome position (GRCh38, 1-based): chr3:177,033,096, G>C on the plus strand (C>G on the coding strand, the complement: TBL1XR1 is on the minus strand). VCF-style: chr3-177033096-G-C. GRCh37 (hg19) VCF-style: chr3-176750884-G-C.
Other names: c.1291C>G, p.Arg431Gly (NM_001321193.3, NM_001321194.3, NM_001374327.1 and 2 more transcripts); c.1030C>G, p.Arg344Gly (NM_001321195.3, NM_001374330.1); short protein forms R431G, R344G.
Identifiers: ClinVar variation 590051 (VCV000590051.7), dbSNP rs755371824, ClinGen allele CA2709784.

ClinVar aggregate classification (germline): Uncertain significance. Review status: criteria provided, multiple submitters, no conflicts (2 of 4 stars). 2 submissions from 2 submitters: Uncertain significance (2). Last evaluated 2025-01-06.

Conditions:
Inborn genetic diseases. Identifiers: MedGen C0950123, MeSH D030342.
Pierpont syndrome (PRPTS). Identifiers: Orphanet 487825, MedGen C1865644, MONDO:0011213, OMIM 602342.

Allele frequency attached by ClinVar (database versions not stated): TOPMed below 0.00001; ExAC 0.00001; gnomAD 0.00001; gnomAD exomes 0.00001.
gnomAD v4.1: 1 of 1,597,148 alleles (0.000063%); highest among the groups gnomAD compares: African/African-American, 0.0013%; no homozygotes.

Submissions (2):

Labcorp Genetics (formerly Invitae), Labcorp
Classification: Uncertain significance for Pierpont syndrome. Last evaluated: 2025-01-06. Review status: criteria provided, single submitter. Criteria: Invitae Variant Classification Sherloc (09022015). Collection method: clinical testing. Allele origin: germline.
Comment: This sequence change replaces arginine, which is basic and polar, with glycine, which is neutral and non-polar, at codon 431 of the TBL1XR1 protein (p.Arg431Gly). This variant is present in population databases (rs755371824, gnomAD 0.002%). This variant has not been reported in the literature in individuals affected with TBL1XR1-related conditions. ClinVar contains an entry for this variant (Variation ID: 590051). Invitae Evidence Modeling of protein sequence and biophysical properties (such as structural, functional, and spatial information, amino acid conservation, physicochemical variation, residue mobility, and thermodynamic stability) indicates that this missense variant is not expected to disrupt TBL1XR1 protein function with a negative predictive value of 95%. In summary, the available evidence is currently insufficient to determine the role of this variant in disease. Therefore, it has been classified as a Variant of Uncertain Significance.

Ambry Genetics
Classification: Uncertain significance for Inborn genetic diseases. Last evaluated: 2017-02-01. Review status: criteria provided, single submitter. Criteria: Ambry Variant Classification Scheme 2023. Collection method: clinical testing. Allele origin: germline.
Comment: The p.R431G variant (also known as c.1291C>G), located in coding exon 12 of the TBL1XR1 gene, results from a C to G substitution at nucleotide position 1291. The arginine at codon 431 is replaced by glycine, an amino acid with dissimilar properties. This amino acid position is highly conserved in available vertebrate species. In addition, this alteration is predicted to be deleterious by in silico analysis. Since supporting evidence is limited at this time, the clinical significance of this alteration remains unclear.